The following is an entry in ClinVar:

NM_001042492.3(NF1):c.1391C>G (p.Pro464Arg)

Gene: NF1 (neurofibromin 1; plus strand). Cytogenetic location: 17q11.2.
Variant type: single nucleotide variant.
Coding change: c.1391C>G on transcript NM_001042492.3 (MANE Select); coding-DNA position 1391, C replaced by G.
Protein change: p.Pro464Arg; replaces proline 464 with arginine.
Molecular consequence: missense variant.
Genome position (GRCh38, 1-based): chr17:31,206,370, C>G. VCF-style: chr17-31206370-C-G. GRCh37 (hg19) VCF-style: chr17-29533388-C-G.
Other names: c.1391C>G, p.Pro464Arg (NM_000267.4, NM_001128147.3); short protein forms P464R.
Identifiers: ClinVar variation 4033177 (VCV004033177.1).
Genomic context (GRCh38, chr17:31,206,370, plus strand): 5'-GTGAAACACTTCATAAAGCAGTGCAAGGTTGTGGAGCACACCCAGCAATACGAATGGCAC[C>G]GGTAAGATAAATCACGAATTTTGAATCTCACCTCCTTTCTATTGCATTTTTTTTAGTGTC-3'
Protein context (NP_001035957.1, residues 454-474): CGAHPAIRMA[Pro464Arg]SLTFKEKVTS

ClinVar aggregate classification (germline): Uncertain significance (1 of 4 stars; one submission).

Conditions:
Cardiovascular phenotype. Identifiers: MedGen CN230736.
Hereditary cancer-predisposing syndrome. Also called: Neoplastic Syndromes, Hereditary; Tumor predisposition; Hereditary neoplastic syndrome; Hereditary Cancer Syndrome. Identifiers: Orphanet 140162, MedGen C0027672, MeSH D009386, MONDO:0015356.

Submission:

Ambry Genetics
Classification: Uncertain significance for Cardiovascular phenotype; Hereditary cancer-predisposing syndrome. Last evaluated: 2025-05-23. Review status: criteria provided, single submitter. Criteria: Ambry Variant Classification Scheme 2023. Collection method: clinical testing. Allele origin: germline.
Comment: The p.P464R variant (also known as c.1391C>G), located in coding exon 12 of the NF1 gene, results from a C to G substitution at nucleotide position 1391. The proline at codon 464 is replaced by arginine, an amino acid with dissimilar properties. This amino acid position is conserved. In addition, this alteration is predicted to be tolerated by in silico analysis. Based on the available evidence, the clinical significance of this variant remains unclear.